The following is an entry in ClinVar:

NM_000051.4(ATM):c.7589A>G (p.Lys2530Arg)

Genes: ATM (ATM serine/threonine kinase; plus strand), C11orf65 (chromosome 11 open reading frame 65; minus strand). Cytogenetic location: 11q22.3.
Variant type: single nucleotide variant.
Coding change: c.7589A>G on transcript NM_000051.4 (MANE Select); coding-DNA position 7589, A replaced by G.
Protein change: p.Lys2530Arg; replaces lysine 2530 with arginine.
Molecular consequence: missense variant. On other transcripts: non-coding transcript variant (1), intron variant (2).
Genome position (GRCh38, 1-based): chr11:108,331,517, A>G. VCF-style: chr11-108331517-A-G. GRCh37 (hg19) VCF-style: chr11-108202244-A-G.
Other names: c.7589A>G, p.Lys2530Arg (NM_001351834.2); c.641-22446T>C (NM_001330368.2); c.*38+3703T>C (NM_001351110.2); short protein forms K2530R.
Identifiers: ClinVar variation 4770265 (VCV004770265.1).
Genomic context (GRCh38, chr11:108,331,517, plus strand): 5'-AGATTCCAACATATAAATTTTTGCCTCTTATGTACCAATTGGCTGCTAGAATGGGGACCA[A>G]GATGATGGGAGGCCTAGGATTTCATGAAGTCCTCAATAATGTAAGTAAACCTGAAAATCA-3'
Protein context (NP_000042.3, residues 2520-2540): MYQLAARMGT[Lys2530Arg]MMGGLGFHEV

ClinVar aggregate classification (germline): Uncertain significance (1 of 4 stars; one submission).

Conditions:
Ataxia-telangiectasia syndrome (AT). Also called: LOUIS-BAR SYNDROME; Cerebello-oculocutaneous telangiectasia; Immunodeficiency with ataxia telangiectasia; Ataxia-telangiectasia, complementation group D; AT, COMPLEMENTATION GROUP C; ATAXIA-TELANGIECTASIA, COMPLEMENTATION GROUP A. Identifiers: Orphanet 100, MedGen C0004135, MONDO:0008840, OMIM 208900.

gnomAD v4.1: 1 of 1,613,462 alleles (0.000062%); highest among the groups gnomAD compares: Non-Finnish European, 0.000085%; no homozygotes.

Submission:

Labcorp Genetics (formerly Invitae), Labcorp
Classification: Uncertain significance for Ataxia-telangiectasia syndrome. Last evaluated: 2025-10-23. Review status: criteria provided, single submitter. Criteria: Invitae Variant Classification Sherloc (09022015). Collection method: clinical testing. Allele origin: germline.
Comment: This sequence change replaces lysine, which is basic and polar, with arginine, which is basic and polar, at codon 2530 of the ATM protein (p.Lys2530Arg). This variant is not present in population databases (gnomAD no frequency). This variant has not been reported in the literature in individuals affected with ATM-related conditions. Invitae Evidence Modeling of protein sequence and biophysical properties (such as structural, functional, and spatial information, amino acid conservation, physicochemical variation, residue mobility, and thermodynamic stability) indicates that this missense variant is not expected to disrupt ATM protein function with a negative predictive value of 95%. In summary, the available evidence is currently insufficient to determine the role of this variant in disease. Therefore, it has been classified as a Variant of Uncertain Significance.